The following is an entry in ClinVar:

NM_016589.4(TIMMDC1):c.54A>G (p.Leu18=)

Gene: TIMMDC1 (translocase of inner mitochondrial membrane domain containing 1; plus strand). Cytogenetic location: 3q13.33.
Variant type: single nucleotide variant.
Coding change: c.54A>G on transcript NM_016589.4 (MANE Select); coding-DNA position 54, A replaced by G.
Protein change: p.Leu18=; no amino-acid change (leucine 18 retained).
Molecular consequence: synonymous variant.
Genome position (GRCh38, 1-based): chr3:119,498,787, A>G. VCF-style: chr3-119498787-A-G. GRCh37 (hg19) VCF-style: chr3-119217634-A-G.
Other names: c.54A>G, p.Leu18= (NM_001438040.1).
Identifiers: ClinVar variation 5041027 (VCV005041027.1).

ClinVar aggregate classification (germline): Likely benign (1 of 4 stars; one submission).

gnomAD v4.1: 22 of 1,614,134 alleles (0.0014%); highest among the groups gnomAD compares: Admixed American, 0.01%; no homozygotes.

Submission:

CeGaT Center for Human Genetics Tuebingen
Classification: Likely benign. Last evaluated: 2026-09-01. Review status: criteria provided, single submitter. Criteria: CeGaT Center For Human Genetics Tuebingen Variant Classification Criteria Version 2. Collection method: clinical testing. Allele origin: germline. Affected: yes. Observed: 1 variant allele.
Comment: TIMMDC1: BP4, BP7